The following is an entry in ClinVar:

NM_024753.5(TTC21B):c.151+4C>T

Gene: TTC21B (tetratricopeptide repeat domain 21B; minus strand). Cytogenetic location: 2q24.3.
Variant type: single nucleotide variant.
Coding change: c.151+4C>T on transcript NM_024753.5 (MANE Select); 4 bases into the intron after coding-DNA position 151, C replaced by T.
Molecular consequence: intron variant.
Genome position (GRCh38, 1-based): chr2:165,949,591, G>A on the plus strand (C>T on the coding strand, the complement: TTC21B is on the minus strand). VCF-style: chr2-165949591-G-A. GRCh37 (hg19) VCF-style: chr2-166806101-G-A.
Identifiers: ClinVar variation 1424501 (VCV001424501.5), dbSNP rs370743264, ClinGen allele CA1942551.

ClinVar aggregate classification (germline): Uncertain significance. Review status: criteria provided, multiple submitters, no conflicts (2 of 4 stars). 2 submissions from 2 submitters: Uncertain significance (2). Last evaluated 2024-06-25.

Conditions:
Nephronophthisis 12 (NPHP12). Identifiers: Orphanet 655, MedGen C3151186, MONDO:0013442, OMIM 613820.
Asphyxiating thoracic dystrophy 4 (SRTD4). Also called: SHORT-RIB THORACIC DYSPLASIA 4; SHORT-RIB THORACIC DYSPLASIA 4 WITH OR WITHOUT POLYDACTYLY. Identifiers: Orphanet 474, MedGen C3151185, MONDO:0013441, OMIM 613819.
Nephronophthisis. Also called: Juvenile Nephronophthisis. Identifiers: Orphanet 655, MedGen C0687120, MONDO:0019005, HP:0000090.
Jeune thoracic dystrophy. Also called: Jeune syndrome; Infantile thoracic dystrophy; Thoracic pelvic phalangeal dystrophy; Jeune's syndrome; Chondroectodermal dysplasia-like syndrome; Short-rib thoracic dysplasia. Identifiers: Orphanet 474, MedGen C0265275, MONDO:0018770.

Allele frequency attached by ClinVar (database versions not stated): gnomAD exomes 0.00001; ExAC 0.00002; gnomAD 0.00002; TOPMed 0.00002; ESP Exome Variant Server 0.00008.
gnomAD v4.1: 25 of 1,613,604 alleles (0.0015%); highest among the groups gnomAD compares: Middle Eastern, 0.016%; no homozygotes.

Submissions (2):

Fulgent Genetics
Classification: Uncertain significance for Asphyxiating thoracic dystrophy 4; Nephronophthisis 12. Last evaluated: 2024-06-25. Review status: criteria provided, single submitter. Criteria: ACMG Guidelines, 2015. Collection method: clinical testing. Allele origin: germline.

Labcorp Genetics (formerly Invitae), Labcorp
Classification: Uncertain significance for Jeune thoracic dystrophy; Nephronophthisis. Last evaluated: 2022-01-17. Review status: criteria provided, single submitter. Criteria: Invitae Variant Classification Sherloc (09022015). Collection method: clinical testing. Allele origin: germline.
Comment: In summary, the available evidence is currently insufficient to determine the role of this variant in disease. Therefore, it has been classified as a Variant of Uncertain Significance. Variants that disrupt the consensus splice site are a relatively common cause of aberrant splicing (PMID: 17576681, 9536098). Algorithms developed to predict the effect of sequence changes on RNA splicing suggest that this variant is not likely to affect RNA splicing. This variant has not been reported in the literature in individuals affected with TTC21B-related conditions. This variant is present in population databases (rs370743264, gnomAD 0.002%). This sequence change falls in intron 2 of the TTC21B gene. It does not directly change the encoded amino acid sequence of the TTC21B protein. It affects a nucleotide within the consensus splice site.

Literature cited by the submitters: PubMed 17576681 (cited by Labcorp Genetics (formerly Invitae), Labcorp); PubMed 9536098 (cited by Labcorp Genetics (formerly Invitae), Labcorp).